The following is an entry in ClinVar:

ClinVar aggregate classification (germline): Uncertain significance (1 of 4 stars; one submission).

Allele frequency attached by ClinVar (database versions not stated): gnomAD exomes 0.00001 and 0.00002; gnomAD 0.00003; TOPMed 0.00003.
gnomAD v4.1: 14 of 1,611,368 alleles (0.00087%); highest among the groups gnomAD compares: East Asian, 0.0067%; no homozygotes.

Submission:

Labcorp Genetics (formerly Invitae), Labcorp
Classification: Uncertain significance. Last evaluated: 2021-12-02. Review status: criteria provided, single submitter. Criteria: Invitae Variant Classification Sherloc (09022015). Collection method: clinical testing. Allele origin: germline.
Comment: This sequence change replaces arginine, which is basic and polar, with histidine, which is basic and polar, at codon 474 of the DLL4 protein (p.Arg474His). This variant is present in population databases (no rsID available, gnomAD 0.01%). This variant has not been reported in the literature in individuals affected with DLL4-related conditions. Algorithms developed to predict the effect of missense changes on protein structure and function output the following: SIFT: "Tolerated"; PolyPhen-2: "Benign"; Align-GVGD: "Class C0". The histidine amino acid residue is found in multiple mammalian species, which suggests that this missense change does not adversely affect protein function. In summary, the available evidence is currently insufficient to determine the role of this variant in disease. Therefore, it has been classified as a Variant of Uncertain Significance.

NM_019074.4(DLL4):c.1421G>A (p.Arg474His)

Gene: DLL4 (delta like canonical Notch ligand 4; plus strand). Cytogenetic location: 15q15.1.
Variant type: single nucleotide variant.
Coding change: c.1421G>A on transcript NM_019074.4 (MANE Select); coding-DNA position 1421, G replaced by A.
Protein change: p.Arg474His; replaces arginine 474 with histidine.
Molecular consequence: missense variant.
Genome position (GRCh38, 1-based): chr15:40,936,408, G>A. VCF-style: chr15-40936408-G-A. GRCh37 (hg19) VCF-style: chr15-41228606-G-A.
Other names: short protein forms R474H.
Identifiers: ClinVar variation 1387379 (VCV001387379.6), dbSNP rs1407250599, ClinGen allele CA391780865.